The following is an entry in ClinVar:

NM_006766.5(KAT6A):c.2170C>T (p.Pro724Ser)

Gene: KAT6A (lysine acetyltransferase 6A; minus strand). Cytogenetic location: 8p11.21.
Variant type: single nucleotide variant.
Coding change: c.2170C>T on transcript NM_006766.5 (MANE Select); coding-DNA position 2170, C replaced by T.
Protein change: p.Pro724Ser; replaces proline 724 with serine.
Molecular consequence: missense variant.
Genome position (GRCh38, 1-based): chr8:41,943,806, G>A on the plus strand (C>T on the coding strand, the complement: KAT6A is on the minus strand). VCF-style: chr8-41943806-G-A. GRCh37 (hg19) VCF-style: chr8-41801324-G-A.
Other names: c.2170C>T, p.Pro724Ser (NM_001305878.2); short protein forms P724S.
Identifiers: ClinVar variation 2579609 (VCV002579609.1), dbSNP rs2486777366, ClinGen allele CA371073079.
Genomic context (GRCh38, chr8:41,943,806, plus strand): 5'-ACTGGTCACTACGGAAGTCCAGCATTCGTAGGTGGTGGAGTGTGGAAGTGATGTCTTGAG[G>A]GCAGATTCCAGTCAACTTGCTTAACTTCTTAATGCTGATCTGCTTGTCATTTTGGTGATA-3'
Protein context (NP_006757.2, residues 714-734): KKLSKLTGIC[Pro724Ser]QDITSTLHHL

ClinVar aggregate classification (germline): Uncertain significance (1 of 4 stars; one submission).

Submission:

GeneDx
Classification: Uncertain significance. Last evaluated: 2023-03-09. Review status: criteria provided, single submitter. Criteria: GeneDx Variant Classification Process June 2021. Collection method: clinical testing. Allele origin: germline. Affected: yes.
Comment: Not observed at significant frequency in large population cohorts (gnomAD); In silico analysis supports that this missense variant has a deleterious effect on protein structure/function; Has not been previously published as pathogenic or benign to our knowledge